The following is an entry in ClinVar:

ClinVar aggregate classification (germline): Pathogenic. Review status: criteria provided, multiple submitters, no conflicts (2 of 4 stars). 2 submissions from 2 submitters: Pathogenic (2). Last evaluated 2023-12-29.

Conditions:
Charcot-Marie-Tooth disease type 4. Also called: Charcot-Marie-Tooth, Type 4; Charcot-Marie-Tooth disease, type IV. Identifiers: Orphanet 64749, MedGen C4082197, MONDO:0018995.
Charcot-Marie-Tooth disease type 4B1. Also called: CHARCOT-MARIE-TOOTH DISEASE, AUTOSOMAL RECESSIVE, WITH FOCALLY FOLDED MYELIN SHEATHS, AUTOSOMAL RECESSIVE, TYPE 4B1; CHARCOT-MARIE-TOOTH DISEASE, TYPE 4B; Charcot-Marie-Tooth Neuropathy Type 4B1; CHARCOT-MARIE-TOOTH DISEASE, DEMYELINATING, TYPE 4B1. Identifiers: Orphanet 99955, MedGen C1832399, MONDO:0011066, OMIM 601382.

Submissions (2):

3billion
Classification: Pathogenic for Charcot-Marie-Tooth disease type 4B1. Last evaluated: 2023-12-29. Review status: criteria provided, single submitter. Criteria: ACMG Guidelines, 2015. Collection method: clinical testing. Allele origin: germline. Affected: yes.
Comment: The variant is observed at an extremely low frequency in the gnomAD v2.1.1 dataset (total allele frequency: <0.001%). Predicted Consequence/Location: Stop-gained (nonsense): predicted to result in a loss or disruption of normal protein function through nonsense-mediated decay (NMD) or protein truncation. Multiple pathogenic variants are reported downstream of the variant. The variant has been reported to be associated with MTMR2-related disorder (ClinVar ID: VCV000543342). Therefore, this variant is classified as Pathogenic according to the recommendation of ACMG/AMP guideline.

Labcorp Genetics (formerly Invitae), Labcorp
Classification: Pathogenic for Charcot-Marie-Tooth disease type 4. Last evaluated: 2017-09-23. Review status: criteria provided, single submitter. Criteria: Invitae Variant Classification Sherloc (09022015). Collection method: clinical testing. Allele origin: germline.
Comment: For these reasons, this variant has been classified as Pathogenic. Loss-of-function variants in MTMR2 are known to be pathogenic (PMID: 10802647). This variant has not been reported in the literature in individuals with MTMR2-related disease. This variant is not present in population databases (ExAC no frequency). This sequence change creates a premature translational stop signal (p.Cys155*) in the MTMR2 gene. It is expected to result in an absent or disrupted protein product.

Literature cited by the submitters: PubMed 10802647 (cited by Labcorp Genetics (formerly Invitae), Labcorp).

NM_016156.6(MTMR2):c.464_465del (p.Val154_Cys155insTer)

Gene: MTMR2 (myotubularin related protein 2; minus strand). Cytogenetic location: 11q21.
Variant type: Microsatellite.
Coding change: c.464_465del on transcript NM_016156.6 (MANE Select); coding-DNA positions 464 to 465, 2 bases deleted (GT; older notation c.464_465delGT).
Protein change: p.Val154_Cys155insTer.
Molecular consequence: nonsense.
Genome position (GRCh38, 1-based): chr11:95,861,995-95,861,996, AC deleted on the plus strand (GT on the coding strand, the reverse complement: MTMR2 is on the minus strand); deleting any 2 consecutive bases within chr11:95,861,995-95,862,001 gives the same sequence; the c. name uses the placement nearest the transcript's 3' end. VCF-style (leftmost placement, unchanged base first): chr11-95861994-TAC-T. GRCh37 (hg19) VCF-style: chr11-95595158-TAC-T.
Other names: c.248_249del, p.Val82_Cys83insTer (NM_001243571.2, NM_201278.3, NM_201281.3); c.464_465delGT (NM_016156.5).
Identifiers: ClinVar variation 543342 (VCV000543342.7), dbSNP rs1358449243, ClinGen allele CA601194245.